The following is an entry in ClinVar:

ClinVar aggregate classification (germline): Uncertain significance (1 of 4 stars; one submission).

Conditions:
Catecholaminergic polymorphic ventricular tachycardia (CVPT). Also called: Catecholamine-induced polymorphic ventricular tachycardia. Identifiers: Orphanet 3286, MedGen C5574922, MONDO:0017990.

Submission:

Labcorp Genetics (formerly Invitae), Labcorp
Classification: Uncertain significance for Catecholaminergic polymorphic ventricular tachycardia. Last evaluated: 2019-04-08. Review status: criteria provided, single submitter. Criteria: Invitae Variant Classification Sherloc (09022015). Collection method: clinical testing. Allele origin: germline.
Comment: This sequence change replaces alanine with proline at codon 3746 of the RYR2 protein (p.Ala3746Pro). The alanine residue is highly conserved and there is a small physicochemical difference between alanine and proline. This variant is not present in population databases (ExAC no frequency). This variant has not been reported in the literature in individuals with RYR2-related conditions. Algorithms developed to predict the effect of missense changes on protein structure and function are either unavailable or do not agree on the potential impact of this missense change (SIFT: "Deleterious"; PolyPhen-2: "Probably Damaging"; Align-GVGD: "Class C0"). In summary, the available evidence is currently insufficient to determine the role of this variant in disease. Therefore, it has been classified as a Variant of Uncertain Significance.

NM_001035.3(RYR2):c.11236G>C (p.Ala3746Pro)

Gene: RYR2 (ryanodine receptor 2; plus strand). Cytogenetic location: 1q43.
Variant type: single nucleotide variant.
Coding change: c.11236G>C on transcript NM_001035.3 (MANE Select); coding-DNA position 11236, G replaced by C.
Protein change: p.Ala3746Pro; replaces alanine 3746 with proline.
Molecular consequence: missense variant.
Genome position (GRCh38, 1-based): chr1:237,756,378, G>C. VCF-style: chr1-237756378-G-C. GRCh37 (hg19) VCF-style: chr1-237919678-G-C.
Other names: short protein forms A3746P.
Identifiers: ClinVar variation 948024 (VCV000948024.2), dbSNP rs1692954476, ClinGen allele CA345425941.